The following is an entry in ClinVar:

NM_207037.2(TCF12):c.910A>G (p.Ser304Gly)

Gene: TCF12 (transcription factor 12; plus strand). Cytogenetic location: 15q21.3.
Variant type: single nucleotide variant.
Coding change: c.910A>G on transcript NM_207037.2 (MANE Select); coding-DNA position 910, A replaced by G.
Protein change: p.Ser304Gly; replaces serine 304 with glycine.
Molecular consequence: missense variant.
Genome position (GRCh38, 1-based): chr15:57,232,796, A>G. VCF-style: chr15-57232796-A-G. GRCh37 (hg19) VCF-style: chr15-57524994-A-G.
Other names: c.400A>G, p.Ser134Gly (NM_001306219.3, NM_207040.2); c.202A>G, p.Ser68Gly (NM_001306220.3); c.910A>G, p.Ser304Gly (NM_001322151.2, NM_001322152.2, NM_001322157.3 and 7 more transcripts); c.253A>G, p.Ser85Gly (NM_001322154.2); c.736A>G, p.Ser246Gly (NM_001322156.2, NM_001322158.2); c.946A>G, p.Ser316Gly (NM_001322164.2); short protein forms S134G, S246G, S304G, S316G, S68G, S85G.
Identifiers: ClinVar variation 1697157 (VCV001697157.2), dbSNP rs773198248, ClinGen allele CA392592779.

ClinVar aggregate classification (germline): Uncertain significance (1 of 4 stars; one submission).

gnomAD v4.1: 2 of 1,612,980 alleles (0.00012%); highest among the groups gnomAD compares: Non-Finnish European, 0.00017%; no homozygotes.

Submission:

GeneDx
Classification: Uncertain significance. Last evaluated: 2022-01-12. Review status: criteria provided, single submitter. Criteria: GeneDx Variant Classification Process June 2021. Collection method: clinical testing. Allele origin: germline. Affected: yes.
Comment: Not observed at significant frequency in large population cohorts (gnomAD); In silico analysis supports that this missense variant does not alter protein structure/function; Has not been previously published as pathogenic or benign to our knowledge